The following is an entry in ClinVar:

ClinVar aggregate classification (germline): Conflicting classifications of pathogenicity. Review status: criteria provided, conflicting classifications (1 of 4 stars). 2 submissions from 2 submitters: Pathogenic (1); Uncertain significance (1). Last evaluated 2025-12-16.

Conditions:
Colorectal cancer, hereditary nonpolyposis, type 7. Identifiers: Orphanet 144, MedGen C1858380, MONDO:0013725, OMIM 614385.

Submissions (2):

Myriad Genetics, Inc.
Classification: Pathogenic for Colorectal cancer, hereditary nonpolyposis, type 7. Last evaluated: 2025-12-16. Review status: criteria provided, single submitter. Criteria: Myriad Autosomal Dominant, Autosomal Recessive and X-Linked Classification Criteria (2023). Collection method: clinical testing. Allele origin: unknown.
Comment: This variant is considered pathogenic. This variant creates a frameshift predicted to result in premature protein truncation.

Labcorp Genetics (formerly Invitae), Labcorp
Classification: Uncertain significance for Colorectal cancer, hereditary nonpolyposis, type 7. Last evaluated: 2021-02-01. Review status: criteria provided, single submitter. Criteria: Invitae Variant Classification Sherloc (09022015). Collection method: clinical testing. Allele origin: germline.
Comment: This sequence change creates a premature translational stop signal (p.Thr980Profs*16) in the MLH3 gene. It is expected to result in an absent or disrupted protein product. However, the current clinical and genetic evidence is not sufficient to establish whether loss-of-function variants in MLH3 cause disease. This variant is present in population databases (rs758226404, ExAC 0.01%). This variant has not been reported in the literature in individuals with MLH3-related conditions. In summary, the available evidence is currently insufficient to determine the role of this variant in disease. Therefore, it has been classified as a Variant of Uncertain Significance.

NM_001040108.2(MLH3):c.2937del (p.Thr980fs)

Gene: MLH3 (mutL homolog 3; minus strand). Cytogenetic location: 14q24.3.
Variant type: Deletion.
Coding change: c.2937del on transcript NM_001040108.2 (MANE Select); coding-DNA position 2937, one base deleted (T; older notation c.2937delT).
Protein change: p.Thr980fs; shifts the reading frame from threonine 980.
Molecular consequence: frameshift variant.
Genome position (GRCh38, 1-based): chr14:75,046,719, A deleted on the plus strand (T on the coding strand, the reverse complement: MLH3 is on the minus strand); the first of 2 consecutive A bases (chr14:75,046,719-75,046,720); deleting either gives the same sequence. VCF-style (leftmost placement, unchanged base first): chr14-75046718-TA-T. GRCh37 (hg19) VCF-style: chr14-75513421-TA-T.
Other names: c.2937del, p.Thr980fs (NM_014381.3); short protein forms T980fs.
Identifiers: ClinVar variation 1345621 (VCV001345621.7), dbSNP rs758226404, ClinGen allele CA7275611.